The following is an entry in ClinVar:

NM_004082.5(DCTN1):c.1799G>A (p.Gly600Asp)

Gene: DCTN1 (dynactin subunit 1; minus strand). Cytogenetic location: 2p13.1.
Variant type: single nucleotide variant.
Coding change: c.1799G>A on transcript NM_004082.5 (MANE Select); coding-DNA position 1799, G replaced by A.
Protein change: p.Gly600Asp; replaces glycine 600 with aspartic acid.
Molecular consequence: missense variant. On other transcripts: non-coding transcript variant (1).
Genome position (GRCh38, 1-based): chr2:74,368,783, C>T on the plus strand (G>A on the coding strand, the complement: DCTN1 is on the minus strand). VCF-style: chr2-74368783-C-T. GRCh37 (hg19) VCF-style: chr2-74595910-C-T.
Other names: c.1739G>A, p.Gly580Asp (NM_001135040.3); c.1397G>A, p.Gly466Asp (NM_001135041.3, NM_023019.4); c.1688G>A, p.Gly563Asp (NM_001190836.2); c.1778G>A, p.Gly593Asp (NM_001190837.2); c.1748G>A, p.Gly583Asp (NM_001378991.1); c.1730G>A, p.Gly577Asp (NM_001378992.1); short protein forms G583D, G600D, G563D, G580D, G577D, G466D, G593D.
Identifiers: ClinVar variation 2923544 (VCV002923544.3), dbSNP rs1004351286, ClinGen allele CA50476123.
Genomic context (GRCh38, chr2:74,368,783, plus strand): 5'-CATACCTTGCAAATGAGACGAGGCATGAGCAACAGCACCAGAACGCAGTCATGGTCCCCA[C>T]CTGGCCGAAGGAAGCTGTCAGGCATGAAGGCTGTCAGCAGGGACATGTGTCGATTGGCCT-3'
Protein context (NP_004073.2, residues 590-610): AFMPDSFLRP[Gly600Asp]GDHDCVLVLL

ClinVar aggregate classification (germline): Uncertain significance (1 of 4 stars; one submission).

Conditions:
Amyotrophic lateral sclerosis type 1 (ALS1). Also called: AMYOTROPHIC LATERAL SCLEROSIS 1, FAMILIAL. Identifiers: Orphanet 803, MedGen C1862939, MONDO:0007103, OMIM 105400.
Neuronopathy, distal hereditary motor, type 7B. Also called: Distal Hereditary Motor Neuronopathy Type 7B (dHMN7B); HMN VIIB; LOWER MOTOR NEURON DISEASE, DYNACTIN TYPE; NEURONOPATHY, DISTAL HEREDITARY MOTOR, AUTOSOMAL DOMINANT 14; NEURONOPATHY, DISTAL HEREDITARY MOTOR, HARDING TYPE VIIB; NEUROPATHY, DISTAL HEREDITARY MOTOR, HARDING TYPE VIIB. Identifiers: Orphanet 139589, MedGen C1843315, MONDO:0011879, OMIM 607641.
Perry syndrome. Also called: PARKINSONISM WITH ALVEOLAR HYPOVENTILATION AND MENTAL DEPRESSION. Identifiers: Orphanet 178509, MedGen C1868594, MONDO:0008201, OMIM 168605.

Submission:

Labcorp Genetics (formerly Invitae), Labcorp
Classification: Uncertain significance for Amyotrophic lateral sclerosis type 1; Neuronopathy, distal hereditary motor, type 7B; Perry syndrome. Last evaluated: 2023-03-23. Review status: criteria provided, single submitter. Criteria: Invitae Variant Classification Sherloc (09022015). Collection method: clinical testing. Allele origin: germline.
Comment: Advanced modeling of protein sequence and biophysical properties (such as structural, functional, and spatial information, amino acid conservation, physicochemical variation, residue mobility, and thermodynamic stability) performed at Invitae indicates that this missense variant is expected to disrupt DCTN1 protein function. Algorithms developed to predict the effect of sequence changes on RNA splicing suggest that this variant may disrupt the consensus splice site. In summary, the available evidence is currently insufficient to determine the role of this variant in disease. Therefore, it has been classified as a Variant of Uncertain Significance. This variant has not been reported in the literature in individuals affected with DCTN1-related conditions. This variant is not present in population databases (gnomAD no frequency). This sequence change replaces glycine, which is neutral and non-polar, with aspartic acid, which is acidic and polar, at codon 600 of the DCTN1 protein (p.Gly600Asp).